The following is an entry in ClinVar:

NM_001690.4(ATP6V1A):c.1368G>C (p.Lys456Asn)

Gene: ATP6V1A (ATPase H+ transporting V1 subunit A; plus strand). Cytogenetic location: 3q13.31.
Variant type: single nucleotide variant.
Coding change: c.1368G>C on transcript NM_001690.4 (MANE Select); coding-DNA position 1368, G replaced by C.
Protein change: p.Lys456Asn; replaces lysine 456 with asparagine.
Molecular consequence: missense variant.
Genome position (GRCh38, 1-based): chr3:113,798,320, G>C. VCF-style: chr3-113798320-G-C. GRCh37 (hg19) VCF-style: chr3-113517167-G-C.
Other names: short protein forms K456N.
Identifiers: ClinVar variation 1378305 (VCV001378305.6), dbSNP rs2108040687, ClinGen allele CA354019898.

ClinVar aggregate classification (germline): Uncertain significance (1 of 4 stars; one submission).

Submission:

Labcorp Genetics (formerly Invitae), Labcorp
Classification: Uncertain significance. Last evaluated: 2021-08-28. Review status: criteria provided, single submitter. Criteria: Invitae Variant Classification Sherloc (09022015). Collection method: clinical testing. Allele origin: germline.
Comment: In summary, the available evidence is currently insufficient to determine the role of this variant in disease. Therefore, it has been classified as a Variant of Uncertain Significance. Algorithms developed to predict the effect of missense changes on protein structure and function are either unavailable or do not agree on the potential impact of this missense change (SIFT: "Deleterious"; PolyPhen-2: "Benign"; Align-GVGD: "Class C0"). This variant has not been reported in the literature in individuals affected with ATP6V1A-related conditions. This variant is not present in population databases (ExAC no frequency). This sequence change replaces lysine with asparagine at codon 456 of the ATP6V1A protein (p.Lys456Asn). The lysine residue is highly conserved and there is a moderate physicochemical difference between lysine and asparagine.